The following is an entry in ClinVar:

ClinVar aggregate classification (germline): Benign. Review status: criteria provided, multiple submitters, no conflicts (2 of 4 stars). 2 submissions from 2 submitters: Benign (2). Last evaluated 2018-01-13.

Conditions:
Retinitis pigmentosa (RP). Identifiers: Orphanet 791, MedGen C0035334, MeSH D012174, MONDO:0019200, OMIM 268000. Inheritance: Autosomal dominant, autosomal recessive and X linked inheritance.

Allele frequency attached by ClinVar (database versions not stated): 1000 Genomes Project 0.01458; 1000 Genomes Project 30x 0.01577; TOPMed 0.03113; gnomAD exomes 0.03167; gnomAD 0.03186 and 0.03237; ESP Exome Variant Server 0.03693; ExAC 0.05076.
gnomAD v4.1: 73,736 of 1,592,058 alleles (4.6%); highest among the groups gnomAD compares: Non-Finnish European, 5.5%; 2,040 homozygotes.

Submissions (2):

Illumina Laboratory Services, Illumina
Classification: Benign for Retinitis pigmentosa. Last evaluated: 2018-01-13. Review status: criteria provided, single submitter. Criteria: ICSL Variant Classification Criteria 13 December 2019. Collection method: clinical testing. Allele origin: germline.
Comment: This variant was observed in the ICSL laboratory as part of a predisposition screen in an ostensibly healthy population. It had not been previously curated by ICSL or reported in the Human Gene Mutation Database (HGMD: prior to June 1st, 2018), and was therefore a candidate for classification through an automated scoring system. Utilizing variant allele frequency, disease prevalence and penetrance estimates, and inheritance mode, an automated score was calculated to assess if this variant is too frequent to cause the disease. Based on the score and internal cut-off values, a variant classified as benign is not then subjected to further curation. The score for this variant resulted in a classification of benign for this disease.

Breakthrough Genomics
Classification: Benign. Review status: criteria provided, single submitter. Criteria: ACMG Guidelines, 2015. Collection method: not provided. Allele origin: germline. Inheritance: Autosomal dominant inheritance. Affected: yes.

NM_012469.4(PRPF6):c.-25C>T

Gene: PRPF6 (pre-mRNA processing factor 6; plus strand). Cytogenetic location: 20q13.33.
Variant type: single nucleotide variant.
Coding change: c.-25C>T on transcript NM_012469.4 (MANE Select); 25 bases upstream of the start codon, C replaced by T.
Molecular consequence: 5 prime UTR variant.
Genome position (GRCh38, 1-based): chr20:63,981,221, C>T. VCF-style: chr20-63981221-C-T. GRCh37 (hg19) VCF-style: chr20-62612574-C-T.
Identifiers: ClinVar variation 339460 (VCV000339460.6), dbSNP rs45558633, ClinGen allele CA9971766.
Genomic context (GRCh38, chr20:63,981,221, plus strand): 5'-GGACGTCGAAGCCTAGAGTCTCTGCGTCTTTCCCTCTTCCGCTGCCTCATTCCTTTCCTT[C>T]CTAGCCTTGGTCGTCGCCGCCACCATGAACAAGAAGAAGAAACCGTTCCTAGGGATGCCC-3'